The following is an entry in ClinVar:

ClinVar aggregate classification (germline): Uncertain significance. Review status: criteria provided, multiple submitters, no conflicts (2 of 4 stars). 3 submissions from 3 submitters: Uncertain significance (3). Last evaluated 2024-06-14.

Conditions:
Mendelian susceptibility to mycobacterial diseases due to complete IL12RB1 deficiency. Also called: IL12RB1 DEFICIENCY; Immunodeficiency 30. Identifiers: Orphanet 319552, MedGen C4013949, MONDO:0013955, OMIM 614891.

Allele frequency attached by ClinVar (database versions not stated): ExAC 0.00015; gnomAD 0.00016 and 0.00021; gnomAD exomes 0.00018 and 0.00044; TOPMed 0.00018; ESP Exome Variant Server 0.00023.
gnomAD v4.1: 661 of 1,610,254 alleles (0.041%); highest among the groups gnomAD compares: Non-Finnish European, 0.054%; 1 homozygote.

Submissions (3):

Blueprint Genetics
Classification: Uncertain significance. Last evaluated: 2024-06-14. Review status: criteria provided, single submitter. Criteria: ACMG Guidelines, 2015. Collection method: clinical testing. Allele origin: germline.

Labcorp Genetics (formerly Invitae), Labcorp
Classification: Uncertain significance for Mendelian susceptibility to mycobacterial diseases due to complete IL12RB1 deficiency. Last evaluated: 2022-10-10. Review status: criteria provided, single submitter. Criteria: Invitae Variant Classification Sherloc (09022015). Collection method: clinical testing. Allele origin: germline.
Comment: This sequence change replaces glutamine, which is neutral and polar, with glutamic acid, which is acidic and polar, at codon 238 of the IL12RB1 protein (p.Gln238Glu). This variant is present in population databases (rs200977237, gnomAD 0.04%). This variant has not been reported in the literature in individuals affected with IL12RB1-related conditions. ClinVar contains an entry for this variant (Variation ID: 328593). Advanced modeling of protein sequence and biophysical properties (such as structural, functional, and spatial information, amino acid conservation, physicochemical variation, residue mobility, and thermodynamic stability) performed at Invitae indicates that this missense variant is not expected to disrupt IL12RB1 protein function. Algorithms developed to predict the effect of sequence changes on RNA splicing suggest that this variant may disrupt the consensus splice site. In summary, the available evidence is currently insufficient to determine the role of this variant in disease. Therefore, it has been classified as a Variant of Uncertain Significance.

Illumina Laboratory Services, Illumina
Classification: Uncertain significance for Mendelian susceptibility to mycobacterial diseases due to complete IL12RB1 deficiency. Last evaluated: 2018-01-12. Review status: criteria provided, single submitter. Criteria: ICSL Variant Classification Criteria 13 December 2019. Collection method: clinical testing. Allele origin: germline.

NM_005535.3(IL12RB1):c.712C>G (p.Gln238Glu)

Gene: IL12RB1 (interleukin 12 receptor subunit beta 1; minus strand). Cytogenetic location: 19p13.11.
Variant type: single nucleotide variant.
Coding change: c.712C>G on transcript NM_005535.3 (MANE Select); coding-DNA position 712, C replaced by G.
Protein change: p.Gln238Glu; replaces glutamine 238 with glutamic acid.
Molecular consequence: missense variant.
Genome position (GRCh38, 1-based): chr19:18,073,588, G>C on the plus strand (C>G on the coding strand, the complement: IL12RB1 is on the minus strand). VCF-style: chr19-18073588-G-C. GRCh37 (hg19) VCF-style: chr19-18184398-G-C.
Other names: c.712C>G, p.Gln238Glu (NM_001290023.2, NM_153701.3); c.832C>G, p.Gln278Glu (NM_001290024.2); short protein forms Q238E, Q278E.
Identifiers: ClinVar variation 328593 (VCV000328593.11), dbSNP rs200977237, ClinGen allele CA9305091.